The following is an entry in ClinVar:

ClinVar aggregate classification (germline): Likely benign (1 of 4 stars; one submission).

Allele frequency attached by ClinVar (database versions not stated): gnomAD exomes below 0.00001.
gnomAD v4.1: 4 of 1,612,438 alleles (0.00025%); highest among the groups gnomAD compares: Middle Eastern, 0.017%; no homozygotes.

Submission:

CeGaT Center for Human Genetics Tuebingen
Classification: Likely benign. Last evaluated: 2024-01-01. Review status: criteria provided, single submitter. Criteria: CeGaT Center For Human Genetics Tuebingen Variant Classification Criteria Version 2. Collection method: clinical testing. Allele origin: germline. Affected: yes. Observed: 1 variant allele.
Comment: CREBBP: BP4, BP7

NM_004380.3(CREBBP):c.6717C>T (p.Gly2239=)

Gene: CREBBP (CREB binding lysine acetyltransferase; minus strand). Cytogenetic location: 16p13.3.
Variant type: single nucleotide variant.
Coding change: c.6717C>T on transcript NM_004380.3 (MANE Select); coding-DNA position 6717, C replaced by T.
Protein change: p.Gly2239=; no amino-acid change (glycine 2239 retained).
Molecular consequence: synonymous variant.
Genome position (GRCh38, 1-based): chr16:3,728,330, G>A on the plus strand (C>T on the coding strand, the complement: CREBBP is on the minus strand). VCF-style: chr16-3728330-G-A. GRCh37 (hg19) VCF-style: chr16-3778331-G-A.
Other names: c.6603C>T, p.Gly2201= (NM_001079846.1).
Identifiers: ClinVar variation 3026093 (VCV003026093.22), dbSNP rs1567260326, ClinGen allele CA493393427.